The following is an entry in ClinVar:

ClinVar aggregate classification (germline): Uncertain significance (1 of 4 stars; one submission).

Conditions:
Dyskeratosis congenita. Identifiers: Orphanet 1775, MedGen C0265965, MONDO:0015780.

Submission:

Labcorp Genetics (formerly Invitae), Labcorp
Classification: Uncertain significance for Dyskeratosis congenita. Last evaluated: 2024-02-17. Review status: criteria provided, single submitter. Criteria: Invitae Variant Classification Sherloc (09022015). Collection method: clinical testing. Allele origin: germline.
Comment: This sequence change replaces leucine, which is neutral and non-polar, with valine, which is neutral and non-polar, at codon 609 of the CTC1 protein (p.Leu609Val). This variant is present in population databases (no rsID available, gnomAD 0.0009%). This variant has not been reported in the literature in individuals affected with CTC1-related conditions. ClinVar contains an entry for this variant (Variation ID: 2068047). Advanced modeling of protein sequence and biophysical properties (such as structural, functional, and spatial information, amino acid conservation, physicochemical variation, residue mobility, and thermodynamic stability) performed at Invitae indicates that this missense variant is not expected to disrupt CTC1 protein function with a negative predictive value of 80%. In summary, the available evidence is currently insufficient to determine the role of this variant in disease. Therefore, it has been classified as a Variant of Uncertain Significance.

NM_025099.6(CTC1):c.1825C>G (p.Leu609Val)

Gene: CTC1 (CST telomere replication complex component 1; minus strand). Cytogenetic location: 17p13.1.
Variant type: single nucleotide variant.
Coding change: c.1825C>G on transcript NM_025099.6 (MANE Select); coding-DNA position 1825, C replaced by G.
Protein change: p.Leu609Val; replaces leucine 609 with valine.
Molecular consequence: missense variant. On other transcripts: non-coding transcript variant (1).
Genome position (GRCh38, 1-based): chr17:8,233,026, G>C on the plus strand (C>G on the coding strand, the complement: CTC1 is on the minus strand). VCF-style: chr17-8233026-G-C. GRCh37 (hg19) VCF-style: chr17-8136344-G-C.
Other names: c.1825C>G, p.Leu609Val (NM_001411067.1); short protein forms L609V.
Identifiers: ClinVar variation 2068047 (VCV002068047.4), dbSNP rs1265524046, ClinGen allele CA397981168.